The following is an entry in ClinVar:

ClinVar aggregate classification (germline): Pathogenic. Review status: criteria provided, multiple submitters, no conflicts (2 of 4 stars). 4 submissions from 4 submitters: Pathogenic (4). Last evaluated 2026-06-04.

Conditions:
Cardiovascular phenotype. Identifiers: MedGen CN230736.
Amyloidosis, hereditary systemic 1 (AMYLD1). Also called: Hereditary Transthyretin Amyloidosis; Familial amyloid polyneuropathy; AMYLOID CARDIOMYOPATHY; Isolated Cardiac Amyloidosis; Amyloid Cardiomyopathy, Transthyretin-related; Transthyretin Amyloidosis. Identifiers: Orphanet 85447, Orphanet 85451, MedGen C2751492, MONDO:0971004, OMIM 105210.
TTR-related disorder. Also called: TTR-related condition; TTR-related disorders.
Familial amyloid neuropathy. Also called: Hereditary ATTR amyloidosis. Identifiers: Orphanet 271861, MedGen C0206245, MONDO:0007100.

Submissions (4):

Clinical Genetics Laboratory, Skane University Hospital Lund
Classification: Pathogenic for Hereditary ATTR amyloidosis. Last evaluated: 2026-06-04. Review status: criteria provided, single submitter. Criteria: ACMG Guidelines, 2015. Collection method: clinical testing. Allele origin: germline. Affected: yes.
Comment: ACMG criteria used: PS4, PM2, PP1_strong, PP3, PP4

Labcorp Genetics (formerly Invitae), Labcorp
Classification: Pathogenic for Amyloidosis, hereditary systemic 1. Last evaluated: 2023-08-03. Review status: criteria provided, single submitter. Criteria: Invitae Variant Classification Sherloc (09022015). Collection method: clinical testing. Allele origin: germline.
Comment: This sequence change replaces histidine, which is basic and polar, with arginine, which is basic and polar, at codon 108 of the TTR protein (p.His108Arg). For these reasons, this variant has been classified as Pathogenic. Advanced modeling of protein sequence and biophysical properties (such as structural, functional, and spatial information, amino acid conservation, physicochemical variation, residue mobility, and thermodynamic stability) performed at Invitae indicates that this missense variant is expected to disrupt TTR protein function. ClinVar contains an entry for this variant (Variation ID: 853918). This variant is also known as p.His88Arg. This missense change has been observed in individual(s) with transthyretin amyloidosis (PMID: 16194874, 22745357, 25721874, 29246775). It has also been observed to segregate with disease in related individuals. This variant is not present in population databases (gnomAD no frequency).

Blueprint Genetics
Classification: Pathogenic for TTR-related disorders. Last evaluated: 2021-08-19. Review status: criteria provided, single submitter. Criteria: ACMG Guidelines, 2015. Collection method: clinical testing. Allele origin: germline. Affected: yes. Observed: 1 variant allele.

Ambry Genetics
Classification: Pathogenic for Cardiovascular phenotype. Last evaluated: 2018-12-07. Review status: criteria provided, single submitter. Criteria: Ambry Variant Classification Scheme 2023. Collection method: clinical testing. Allele origin: germline.
Comment: The p.H108R pathogenic mutation (also known as c.323A>G and H88R), located in coding exon 3 of the TTR gene, results from an A to G substitution at nucleotide position 323. The histidine at codon 108 is replaced by arginine, an amino acid with highly similar properties. This mutation has been identified in multiple individuals with histologically confirmed transthyretin-related amyloidosis, the majority of which presented primarily with cardiac amyloidosis and carpal tunnel syndrome (Holmgren G et al. Amyloid, 2005 Sep;12:184-8; Rapezzi C et al. Eur. Heart J., 2013 Feb;34:520-8; Ihse E et al. Amyloid, 2013 Sep;20:142-50; Hellman U et al. Eur J Med Genet, 2015 Apr;58:211-5; Suhr OB et al. J. Intern. Med., 2008 Mar;263:294-301; H&ouml;rnsten R et al. J Electrocardiol, 2006 Jan;39:57-62). Based on the supporting evidence, this alteration is interpreted as a disease-causing mutation.

Literature cited by the submitters: PubMed 16194874 (cited by Labcorp Genetics (formerly Invitae), Labcorp and Ambry Genetics); PubMed 22745357 (cited by Labcorp Genetics (formerly Invitae), Labcorp and Ambry Genetics); PubMed 25721874 (cited by Labcorp Genetics (formerly Invitae), Labcorp and Ambry Genetics); PubMed 29246775 (cited by Labcorp Genetics (formerly Invitae), Labcorp); PubMed 16387053 (cited by Ambry Genetics); PubMed 18069997 (cited by Ambry Genetics); PubMed 23713495 (cited by Ambry Genetics).

NM_000371.4(TTR):c.323A>G (p.His108Arg)

Gene: TTR (transthyretin; plus strand). Cytogenetic location: 18q12.1.
Variant type: single nucleotide variant.
Coding change: c.323A>G on transcript NM_000371.4 (MANE Select); coding-DNA position 323, A replaced by G.
Protein change: p.His108Arg; replaces histidine 108 with arginine.
Molecular consequence: missense variant.
Genome position (GRCh38, 1-based): chr18:31,595,242, A>G. VCF-style: chr18-31595242-A-G. GRCh37 (hg19) VCF-style: chr18-29175205-A-G.
Other names: short protein forms H108R.
Identifiers: ClinVar variation 853918 (VCV000853918.13), dbSNP rs2073511411, ClinGen allele CA402157137.